The following is an entry in ClinVar:

ClinVar aggregate classification (germline): Likely benign. Review status: criteria provided, multiple submitters, no conflicts (2 of 4 stars). 2 submissions from 2 submitters: Likely benign (2). Last evaluated 2024-01-24.

Conditions:
Wilson disease (WND). Also called: Wilson's disease. Identifiers: Orphanet 905, MedGen C0019202, MONDO:0010200, OMIM 277900. Disease mechanism: loss of function.

Allele frequency attached by ClinVar (database versions not stated): gnomAD exomes 0.00001 and 0.00004; ExAC 0.00003.

Submissions (2):

Labcorp Genetics (formerly Invitae), Labcorp
Classification: Likely benign for Wilson disease. Last evaluated: 2024-01-24. Review status: criteria provided, single submitter. Criteria: Invitae Variant Classification Sherloc (09022015). Collection method: clinical testing. Allele origin: germline.

All of Us Research Program, National Institutes of Health
Classification: Likely benign for Wilson disease. Last evaluated: 2023-11-02. Review status: criteria provided, single submitter. Criteria: ACMG Guidelines, 2015. Collection method: clinical testing. Allele origin: germline. Inheritance: Autosomal recessive inheritance. Observed: 1 variant allele, 1 heterozygote.
Comment: This study involves interpretation of variants in research participants for the purpose of population health screening. Participant phenotype was not available at the time of variant classification. Additional details can be found in publication PMID: 35346344, PMCID: PMC8962531

NM_000053.4(ATP7B):c.2576-5del

Gene: ATP7B (ATPase copper transporting beta; minus strand). Cytogenetic location: 13q14.3.
Variant type: Deletion.
Coding change: c.2576-5del on transcript NM_000053.4 (MANE Select); 5 bases into the intron before coding-DNA position 2576, one base deleted (T; older notation c.2576-5delT).
Molecular consequence: intron variant.
Genome position (GRCh38, 1-based): chr13:51,950,166, A deleted on the plus strand (T on the coding strand, the reverse complement: ATP7B is on the minus strand). VCF-style (leftmost placement, unchanged base first): chr13-51950165-GA-G. GRCh37 (hg19) VCF-style: chr13-52524301-GA-G.
Other names: c.2243-5del (NM_001243182.2); c.2090-5del (NM_001005918.3); c.2324-5del (NM_001330579.2); c.2342-5del (NM_001330578.2).
Identifiers: ClinVar variation 1597212 (VCV001597212.9), dbSNP rs754802731, ClinGen allele CA6988953.